The following is an entry in ClinVar:

ClinVar aggregate classification (germline): Likely benign (1 of 4 stars; one submission).

gnomAD v4.1: 109 of 1,609,068 alleles (0.0068%); highest among the groups gnomAD compares: South Asian, 0.033%; no homozygotes.

Submission:

Mayo Clinic Laboratories, Mayo Clinic
Classification: Likely benign. Last evaluated: 2025-06-10. Review status: criteria provided, single submitter. Criteria: ACMG Guidelines, 2015. Collection method: clinical testing. Allele origin: germline. Observed: 1 variant allele.
Comment: BP4, BP7

NM_003126.4(SPTA1):c.6531-17C>T

Gene: SPTA1 (spectrin alpha, erythrocytic 1; minus strand). Cytogenetic location: 1q23.1.
Variant type: single nucleotide variant.
Coding change: c.6531-17C>T on transcript NM_003126.4 (MANE Select); 17 bases into the intron before coding-DNA position 6531, C replaced by T.
Molecular consequence: intron variant.
Genome position (GRCh38, 1-based): chr1:158,618,073, G>A on the plus strand (C>T on the coding strand, the complement: SPTA1 is on the minus strand). VCF-style: chr1-158618073-G-A. GRCh37 (hg19) VCF-style: chr1-158587863-G-A.
Other names: p.?.
Identifiers: ClinVar variation 4683583 (VCV004683583.1).
Genomic context (GRCh38, chr1:158,618,073, plus strand): 5'-ACATGATGATAACATAAAATACTGACCCATCCAGAAAGTAAGCCCTGGACATGGAGGTCC[G>A]GAACAGGAATCACATGAGAGAAAAGGGAGATGATATGTTAAAATGGATTACTTTAAAGAT-3'